The following is an entry in ClinVar:

NM_001369369.1(FOXN1):c.1940T>C (p.Leu647Pro)

Gene: FOXN1 (forkhead box N1; plus strand). Cytogenetic location: 17q11.2.
Variant type: single nucleotide variant.
Coding change: c.1940T>C on transcript NM_001369369.1 (MANE Select); coding-DNA position 1940, T replaced by C.
Protein change: p.Leu647Pro; replaces leucine 647 with proline.
Molecular consequence: missense variant.
Genome position (GRCh38, 1-based): chr17:28,537,429, T>C. VCF-style: chr17-28537429-T-C. GRCh37 (hg19) VCF-style: chr17-26864447-T-C.
Other names: c.1940T>C, p.Leu647Pro (NM_003593.3); short protein forms L647P.
Identifiers: ClinVar variation 2802923 (VCV002802923.3), dbSNP rs992167121, ClinGen allele CA289121603.

ClinVar aggregate classification (germline): Uncertain significance (1 of 4 stars; one submission).

Conditions:
T-cell immunodeficiency, congenital alopecia, and nail dystrophy. Also called: Congenital alopecia and nail dystrophy associated with severe functional T-cell immunodeficiency; Pignata Guarino syndrome. Identifiers: Orphanet 169095, MedGen C1866426, MONDO:0011132, OMIM 601705.

Allele frequency attached by ClinVar (database versions not stated): gnomAD exomes below 0.00001.
gnomAD v4.1: 2 of 1,611,934 alleles (0.00012%); highest among the groups gnomAD compares: Non-Finnish European, 0.00017%; no homozygotes.

Submission:

Labcorp Genetics (formerly Invitae), Labcorp
Classification: Uncertain significance for T-cell immunodeficiency, congenital alopecia, and nail dystrophy. Last evaluated: 2023-06-21. Review status: criteria provided, single submitter. Criteria: Invitae Variant Classification Sherloc (09022015). Collection method: clinical testing. Allele origin: germline.
Comment: Advanced modeling of protein sequence and biophysical properties (such as structural, functional, and spatial information, amino acid conservation, physicochemical variation, residue mobility, and thermodynamic stability) performed at Invitae indicates that this missense variant is not expected to disrupt FOXN1 protein function. In summary, the available evidence is currently insufficient to determine the role of this variant in disease. Therefore, it has been classified as a Variant of Uncertain Significance. This variant has not been reported in the literature in individuals affected with FOXN1-related conditions. This sequence change replaces leucine, which is neutral and non-polar, with proline, which is neutral and non-polar, at codon 647 of the FOXN1 protein (p.Leu647Pro). This variant is not present in population databases (gnomAD no frequency).